The following is an entry in ClinVar:

NC_000019.9:g.(?_13001933)_(13003258_?)del

Gene: GCDH (glutaryl-CoA dehydrogenase; plus strand). Cytogenetic location: 19p13.2.
Variant type: Deletion.
Identifiers: ClinVar variation 2422496 (VCV002422496.5).

ClinVar aggregate classification (germline): Pathogenic (1 of 4 stars; one submission).

Conditions:
Glutaric aciduria, type 1. Also called: Glutaricaciduria, type I; Glutaryl-CoA dehydrogenase deficiency; GA I; Glutaric Acidemia Type 1; Glutaric acidemia type I; Glutaricacidemia Type 1. Identifiers: Orphanet 25, MedGen C0268595, MONDO:0009281, OMIM 231670.

Submission:

Labcorp Genetics (formerly Invitae), Labcorp
Classification: Pathogenic for Glutaric aciduria, type 1. Last evaluated: 2023-11-06. Review status: criteria provided, single submitter. Criteria: Invitae Variant Classification Sherloc (09022015). Collection method: clinical testing. Allele origin: germline.
Comment: This variant is a gross deletion of the genomic region encompassing exon(s) 1-5 of the GCDH gene, which includes the initiator codon. This deletion extends beyond the assayed region for this gene and therefore may encompass additional genes. It is expected to result in an absent or disrupted protein product. Loss-of-function variants in GCDH are known to be pathogenic (PMID: 10699052, 11854167, 16602100). This variant has not been reported in the literature in individuals affected with GCDH-related conditions. For these reasons, this variant has been classified as Pathogenic.

Literature cited by the submitters: PubMed 10699052; PubMed 11854167; PubMed 16602100.